The following is an entry in ClinVar:

ClinVar aggregate classification (germline): Likely benign (0 of 4 stars; one submission).

Conditions:
UNC5B-related disorder. Also called: UNC5B-related condition.

Allele frequency attached by ClinVar (database versions not stated): gnomAD exomes 0.00012; ExAC 0.00044; gnomAD 0.00052; 1000 Genomes Project 0.00060; TOPMed 0.00065; ESP Exome Variant Server 0.00077; 1000 Genomes Project 30x 0.00078.
gnomAD v4.1: 260 of 1,614,134 alleles (0.016%); highest among the groups gnomAD compares: African/African-American, 0.15%; no homozygotes.

Submission:

PreventionGenetics, part of Exact Sciences
Classification: Likely benign for UNC5B-related condition. Last evaluated: 2022-07-21. Review status: no assertion criteria provided. Collection method: clinical testing. Allele origin: germline.
Comment: This variant is classified as likely benign based on ACMG/AMP sequence variant interpretation guidelines (Richards et al. 2015 PMID: 25741868, with internal and published modifications).

NM_170744.5(UNC5B):c.1219G>A (p.Asp407Asn)

Gene: UNC5B (unc-5 netrin receptor B; plus strand). Cytogenetic location: 10q22.1.
Variant type: single nucleotide variant.
Coding change: c.1219G>A on transcript NM_170744.5 (MANE Select); coding-DNA position 1219, G replaced by A.
Protein change: p.Asp407Asn; replaces aspartic acid 407 with asparagine.
Molecular consequence: missense variant.
Genome position (GRCh38, 1-based): chr10:71,291,034, G>A. VCF-style: chr10-71291034-G-A. GRCh37 (hg19) VCF-style: chr10-73050791-G-A.
Other names: c.1186G>A, p.Asp396Asn (NM_001244889.2); short protein forms D396N, D407N.
Identifiers: ClinVar variation 3052209 (VCV003052209.2), dbSNP rs151028942, ClinGen allele CA5542160.